The following is an entry in ClinVar:

ClinVar aggregate classification (germline): Pathogenic (1 of 4 stars; one submission).

Conditions:
Sotos syndrome (SOTOS). Also called: CEREBRAL GIGANTISM; Sotos' syndrome; Distinctive facial appearance, overgrowth in childhood, and learning disabilities or delayed development; CHROMOSOME 5q35 DELETION SYNDROME; SOTOS SYNDROME 1. Identifiers: Orphanet 821, MedGen C0175695, MONDO:0019349, OMIM 117550.

Submission:

Juno Genomics, Hangzhou Juno Genomics, Inc
Classification: Pathogenic for Sotos syndrome. Review status: criteria provided, single submitter. Criteria: ACMG Guidelines, 2015. Collection method: clinical testing. Allele origin: germline. Affected: yes.
Comment: Absent from controls (or at extremely low frequency if recessive) in Genome Aggregation Database, Exome Sequencing Project, 1000 Genomes Project, or Exome Aggregation Consortium.;Null variant in a gene where loss of function (LOF) is a known mechanism of disease.;Assumed de novo, but without confirmation of paternity and maternity.;Patient's phenotype or family history is highly specific for a disease with a single genetic etiology.

NM_022455.5(NSD1):c.3922-2A>G

Gene: NSD1 (nuclear receptor binding SET domain protein 1; plus strand). Cytogenetic location: 5q35.3.
Variant type: single nucleotide variant.
Coding change: c.3922-2A>G on transcript NM_022455.5 (MANE Select); the canonical splice acceptor site of the intron before coding-DNA position 3922, A replaced by G.
Molecular consequence: splice acceptor variant.
Genome position (GRCh38, 1-based): chr5:177,238,235, A>G. VCF-style: chr5-177238235-A-G. GRCh37 (hg19) VCF-style: chr5-176665236-A-G.
Other names: c.3922-2A>G (NM_001409301.1, NM_001409302.1, NM_001409303.1); c.3502-2A>G (NM_001409304.1); c.3169-2A>G (NM_001409305.1); c.3049-2A>G (NM_001409306.1, NM_001409308.1, NM_001409307.1 and 3 more transcripts).
Identifiers: ClinVar variation 4533249 (VCV004533249.1).